The following is an entry in ClinVar:

NM_001291867.2(NHS):c.2897C>A (p.Ser966Ter)

Gene: NHS (NHS actin remodeling regulator; plus strand). Cytogenetic location: Xp22.13.
Variant type: single nucleotide variant.
Coding change: c.2897C>A on transcript NM_001291867.2 (MANE Select); coding-DNA position 2897, C replaced by A.
Protein change: p.Ser966Ter; replaces serine 966 with a stop codon.
Molecular consequence: nonsense.
Genome position (GRCh38, 1-based): chrX:17,727,003, C>A. VCF-style: chrX-17727003-C-A. GRCh37 (hg19) VCF-style: chrX-17745123-C-A.
Other names: c.2366C>A, p.Ser789Ter (NM_001136024.4); c.2303C>A, p.Ser768Ter (NM_001291868.2); c.2834C>A, p.Ser945Ter (NM_198270.4); short protein forms S945*, S789*, S966*, S768*.
Identifiers: ClinVar variation 2769541 (VCV002769541.3), dbSNP rs2519938626, ClinGen allele CA412360962.

ClinVar aggregate classification (germline): Pathogenic (1 of 4 stars; one submission).

Conditions:
Nance-Horan syndrome (NHS). Identifiers: Orphanet 627, MedGen C0796085, MONDO:0010545, OMIM 302350.

Submission:

Labcorp Genetics (formerly Invitae), Labcorp
Classification: Pathogenic for Nance-Horan syndrome. Last evaluated: 2023-10-17. Review status: criteria provided, single submitter. Criteria: Invitae Variant Classification Sherloc (09022015). Collection method: clinical testing. Allele origin: germline.
Comment: This sequence change creates a premature translational stop signal (p.Ser945*) in the NHS gene. It is expected to result in an absent or disrupted protein product. Loss-of-function variants in NHS are known to be pathogenic (PMID: 14564667, 19414485). This variant is not present in population databases (gnomAD no frequency). This variant has not been reported in the literature in individuals affected with NHS-related conditions. For these reasons, this variant has been classified as Pathogenic.

Literature cited by the submitters: PubMed 14564667; PubMed 19414485.